The following is an entry in ClinVar:

ClinVar aggregate classification (germline): Uncertain significance. Review status: criteria provided, multiple submitters, no conflicts (2 of 4 stars). 2 submissions from 2 submitters: Uncertain significance (2). Last evaluated 2023-10-16.

Conditions:
FG syndrome (FGS). Identifiers: MedGen C0220769, MONDO:0002010.
Familial thoracic aortic aneurysm and aortic dissection (TAAD). Also called: Thoracic aortic aneurysms and dissections. Identifiers: Orphanet 91387, MedGen C4707243, MONDO:0019625.

gnomAD v4.1: 2 of 1,179,234 alleles (0.00017%); highest among the groups gnomAD compares: Non-Finnish European, 0.00023%; no homozygotes.

Submissions (2):

Labcorp Genetics (formerly Invitae), Labcorp
Classification: Uncertain significance for FG syndrome. Last evaluated: 2023-10-16. Review status: criteria provided, single submitter. Criteria: Invitae Variant Classification Sherloc (09022015). Collection method: clinical testing. Allele origin: germline.
Comment: This sequence change replaces leucine, which is neutral and non-polar, with proline, which is neutral and non-polar, at codon 657 of the MED12 protein (p.Leu657Pro). This variant is not present in population databases (gnomAD no frequency). This variant has not been reported in the literature in individuals affected with MED12-related conditions. ClinVar contains an entry for this variant (Variation ID: 1502982). Advanced modeling of protein sequence and biophysical properties (such as structural, functional, and spatial information, amino acid conservation, physicochemical variation, residue mobility, and thermodynamic stability) has been performed at Invitae for this missense variant, however the output from this modeling did not meet the statistical confidence thresholds required to predict the impact of this variant on MED12 protein function. In summary, the available evidence is currently insufficient to determine the role of this variant in disease. Therefore, it has been classified as a Variant of Uncertain Significance.

Ambry Genetics
Classification: Uncertain significance for Familial thoracic aortic aneurysm and aortic dissection. Last evaluated: 2022-11-21. Review status: criteria provided, single submitter. Criteria: Ambry Variant Classification Scheme 2023. Collection method: clinical testing. Allele origin: germline.
Comment: The p.L657P variant (also known as c.1970T>C), located in coding exon 13 of the MED12 gene, results from a T to C substitution at nucleotide position 1970. The leucine at codon 657 is replaced by proline, an amino acid with similar properties. This amino acid position is conserved. In addition, this alteration is predicted to be tolerated by in silico analysis. Since supporting evidence is limited at this time, the clinical significance of this alteration remains unclear.

NM_005120.3(MED12):c.1970T>C (p.Leu657Pro)

Gene: MED12 (mediator complex subunit 12; plus strand). Cytogenetic location: Xq13.1.
Variant type: single nucleotide variant.
Coding change: c.1970T>C on transcript NM_005120.3 (MANE Select); coding-DNA position 1970, T replaced by C.
Protein change: p.Leu657Pro; replaces leucine 657 with proline.
Molecular consequence: missense variant.
Genome position (GRCh38, 1-based): chrX:71,124,384, T>C. VCF-style: chrX-71124384-T-C. GRCh37 (hg19) VCF-style: chrX-70344234-T-C.
Other names: c.1970T>C (NM_005120.2); short protein forms L657P.
Identifiers: ClinVar variation 1502982 (VCV001502982.10), dbSNP rs2147790051, ClinGen allele CA413510236.